The following is an entry in ClinVar:

ClinVar aggregate classification (germline): Pathogenic (1 of 4 stars; one submission).
ClinVar aggregate classification (somatic clinical impact): Tier II - Potential (1 of 4 stars; one submission).

Conditions:
Hereditary cancer-predisposing syndrome. Also called: Tumor predisposition; Hereditary neoplastic syndrome; Hereditary Cancer Syndrome; Neoplastic Syndromes, Hereditary. Identifiers: Orphanet 140162, MedGen C0027672, MeSH D009386, MONDO:0015356.
Diffuse glioma, H3 G34 mutant. Identifiers: MedGen CN377580, MONDO:0957197.

Submissions (2):

Institute for Genomic Medicine (IGM) Clinical Laboratory, Nationwide Children's Hospital
Classification: Tier II - Potential for Diffuse glioma, H3 G34 mutant. Assertion type: diagnostic. Clinical significance: supports diagnosis. Last evaluated: 2025-10-14. Review status: criteria provided, single submitter. Criteria: AMP/ASCO/CAP Guidelines, 2017. Collection method: clinical testing. Allele origin: somatic. Affected: yes.
Comment: Variant has Tier II (potential) clinical significance as a diagnostic inclusion criterion in diffuse glioma, H3 G34 mutant, based on the following evidence: 1) Information in the literature supports potential biologic effect of variant. 2) Assists in diagnosis alone or along with other biomarkers based on small studies or few case reports (Evidence Level D; PMID: 38217295).

Ambry Genetics
Classification: Pathogenic for Hereditary cancer-predisposing syndrome. Last evaluated: 2025-04-10. Review status: criteria provided, single submitter. Criteria: Ambry Variant Classification Scheme 2023. Collection method: clinical testing. Allele origin: germline.
Comment: The p.Y406* pathogenic mutation (also known as c.1218C>A), located in coding exon 10 of the TSC1 gene, results from a C to A substitution at nucleotide position 1218. This changes the amino acid from a tyrosine to a stop codon within coding exon 10. This variant is considered to be rare based on population cohorts in the Genome Aggregation Database (gnomAD). This alteration is expected to result in loss of function by premature protein truncation or nonsense-mediated mRNA decay. As such, this alteration is interpreted as a disease-causing mutation.

Literature cited by the submitters: PubMed 38217295 (cited by Institute for Genomic Medicine (IGM) Clinical Laboratory, Nationwide Children's Hospital).

NM_000368.5(TSC1):c.1218C>A (p.Tyr406Ter)

Gene: TSC1 (TSC complex subunit 1; minus strand). Cytogenetic location: 9q34.13.
Variant type: single nucleotide variant.
Coding change: c.1218C>A on transcript NM_000368.5 (MANE Select); coding-DNA position 1218, C replaced by A.
Protein change: p.Tyr406Ter; replaces tyrosine 406 with a stop codon.
Molecular consequence: nonsense. On other transcripts: non-coding transcript variant (5).
Genome position (GRCh38, 1-based): chr9:132,910,616, G>T on the plus strand (C>A on the coding strand, the complement: TSC1 is on the minus strand). VCF-style: chr9-132910616-G-T. GRCh37 (hg19) VCF-style: chr9-135786003-G-T.
Other names: c.1215C>A, p.Tyr405Ter (NM_001406600.1, NM_001406603.1, NM_001406604.1 and 6 more transcripts); c.1218C>A, p.Tyr406Ter (NM_001406601.1, NM_001406602.1, NM_001406605.1 and 7 more transcripts); c.855C>A, p.Tyr285Ter (NM_001406619.1, NM_001406624.1, NM_001362177.2 and 5 more transcripts); c.852C>A, p.Tyr284Ter (NM_001406620.1, NM_001406621.1, NM_001406622.1 and 2 more transcripts); c.267C>A, p.Tyr89Ter (NM_001406626.1); c.264C>A, p.Tyr88Ter (NM_001406627.1, NM_001406628.1); c.1065C>A, p.Tyr355Ter (NM_001406610.1, NM_001162427.2); c.1062C>A, p.Tyr354Ter (NM_001406611.1, NM_001406612.1, NM_001406613.1); and 1 more; short protein forms Y284*, Y88*, Y55*, Y89*, Y285*, Y355*, Y354*, Y405*.
Identifiers: ClinVar variation 3974546 (VCV003974546.2).